The following is an entry in ClinVar:

ClinVar aggregate classification (germline): Pathogenic (1 of 4 stars; one submission).

Conditions:
X-linked Alport syndrome (ATS1). Also called: NEPHROPATHY AND DEAFNESS, X-LINKED; COL4A5-Related Nephropathy. Identifiers: Orphanet 63, Orphanet 88917, MedGen C4746986, MONDO:0010520, OMIM 301050.

Submission:

Juno Genomics, Hangzhou Juno Genomics, Inc
Classification: Pathogenic for X-linked Alport syndrome. Review status: criteria provided, single submitter. Criteria: ACMG Guidelines, 2015. Collection method: clinical testing. Allele origin: germline. Affected: yes.
Comment: Null variant in a gene where loss of function (LOF) is a known mechanism of disease.;Absent from controls (or at extremely low frequency if recessive) in Genome Aggregation Database, Exome Sequencing Project, 1000 Genomes Project, or Exome Aggregation Consortium.;Assumed de novo, but without confirmation of paternity and maternity.

NM_033380.3(COL4A5):c.2933C>A (p.Ser978Ter)

Gene: COL4A5 (collagen type IV alpha 5 chain; plus strand). Cytogenetic location: Xq22.3.
Variant type: single nucleotide variant.
Coding change: c.2933C>A on transcript NM_033380.3 (MANE Select); coding-DNA position 2933, C replaced by A.
Protein change: p.Ser978Ter; replaces serine 978 with a stop codon.
Molecular consequence: nonsense.
Genome position (GRCh38, 1-based): chrX:108,624,251, C>A. VCF-style: chrX-108624251-C-A. GRCh37 (hg19) VCF-style: chrX-107867481-C-A.
Other names: c.2933C>A, p.Ser978Ter (NM_000495.5); short protein forms S978*.
Identifiers: ClinVar variation 3382934 (VCV003382934.2).